The following is an entry in ClinVar:

NM_004360.5(CDH1):c.1322G>T (p.Gly441Val)

Gene: CDH1 (cadherin 1; plus strand). Cytogenetic location: 16q22.1.
Variant type: single nucleotide variant.
Coding change: c.1322G>T on transcript NM_004360.5 (MANE Select); coding-DNA position 1322, G replaced by T.
Protein change: p.Gly441Val; replaces glycine 441 with valine.
Molecular consequence: missense variant. On other transcripts: 5 prime UTR variant (2).
Genome position (GRCh38, 1-based): chr16:68,815,516, G>T. VCF-style: chr16-68815516-G-T. GRCh37 (hg19) VCF-style: chr16-68849419-G-T.
Other names: c.1139G>T, p.Gly380Val (NM_001317184.2); c.-227G>T (NM_001317185.2); c.-498G>T (NM_001317186.2); short protein forms G380V, G441V.
Identifiers: ClinVar variation 1346863 (VCV001346863.8), dbSNP rs2152134670, ClinGen allele CA396462651.

ClinVar aggregate classification (germline): Uncertain significance (1 of 4 stars; one submission).

Conditions:
Hereditary diffuse gastric adenocarcinoma (HDGC). Also called: DIFFUSE GASTRIC AND LOBULAR BREAST CANCER SYNDROME. Identifiers: Orphanet 26106, MedGen C1708349, MONDO:0007648, OMIM 137215.

gnomAD v4.1: 1 of 1,614,162 alleles (0.000062%); highest among the groups gnomAD compares: Non-Finnish European, 0.000085%; no homozygotes.

Submission:

Labcorp Genetics (formerly Invitae), Labcorp
Classification: Uncertain significance for Hereditary diffuse gastric adenocarcinoma. Last evaluated: 2022-02-10. Review status: criteria provided, single submitter. Criteria: Invitae Variant Classification Sherloc (09022015). Collection method: clinical testing. Allele origin: germline.
Comment: In summary, the available evidence is currently insufficient to determine the role of this variant in disease. Therefore, it has been classified as a Variant of Uncertain Significance. Algorithms developed to predict the effect of missense changes on protein structure and function are either unavailable or do not agree on the potential impact of this missense change (SIFT: "Deleterious"; PolyPhen-2: "Possibly Damaging"; Align-GVGD: "Class C15"). This variant has not been reported in the literature in individuals affected with CDH1-related conditions. This variant is not present in population databases (gnomAD no frequency). This sequence change replaces glycine, which is neutral and non-polar, with valine, which is neutral and non-polar, at codon 441 of the CDH1 protein (p.Gly441Val).